The following is an entry in ClinVar:

ClinVar aggregate classification (germline): Likely benign (1 of 4 stars; one submission).

gnomAD v4.1: 2 of 1,610,448 alleles (0.00012%); highest among the groups gnomAD compares: Non-Finnish European, 0.00017%; no homozygotes.

Submission:

Mayo Clinic Laboratories, Mayo Clinic
Classification: Likely benign. Last evaluated: 2025-08-07. Review status: criteria provided, single submitter. Criteria: ACMG Guidelines, 2015. Collection method: clinical testing. Allele origin: germline. Observed: 1 variant allele.
Comment: BP4, BP7

NM_001631.5(ALPI):c.1332G>C (p.Val444=)

Gene: ALPI (alkaline phosphatase, intestinal; plus strand). Cytogenetic location: 2q37.1.
Variant type: single nucleotide variant.
Coding change: c.1332G>C on transcript NM_001631.5 (MANE Select); coding-DNA position 1332, G replaced by C.
Protein change: p.Val444=; no amino-acid change (valine 444 retained).
Molecular consequence: synonymous variant.
Genome position (GRCh38, 1-based): chr2:232,458,891, G>C. VCF-style: chr2-232458891-G-C. GRCh37 (hg19) VCF-style: chr2-233323601-G-C.
Other names: p.Val444=.
Identifiers: ClinVar variation 4684659 (VCV004684659.1).